The following is an entry in ClinVar:

NM_001903.5(CTNNA1):c.634G>C (p.Gly212Arg)

Gene: CTNNA1 (catenin alpha 1; plus strand). Cytogenetic location: 5q31.2.
Variant type: single nucleotide variant.
Coding change: c.634G>C on transcript NM_001903.5 (MANE Select); coding-DNA position 634, G replaced by C.
Protein change: p.Gly212Arg; replaces glycine 212 with arginine.
Molecular consequence: missense variant.
Genome position (GRCh38, 1-based): chr5:138,824,575, G>C. VCF-style: chr5-138824575-G-C. GRCh37 (hg19) VCF-style: chr5-138160264-G-C.
Other names: c.634G>C, p.Gly212Arg (NM_001290307.3, NM_001323982.2, NM_001323983.1 and 3 more transcripts); c.325G>C, p.Gly109Arg (NM_001290309.3); c.265G>C, p.Gly89Arg (NM_001290310.3); short protein forms G89R, G109R, G212R.
Identifiers: ClinVar variation 1394069 (VCV001394069.6), dbSNP rs2149775642, ClinGen allele CA361129526.

ClinVar aggregate classification (germline): Uncertain significance (1 of 4 stars; one submission).

Submission:

Labcorp Genetics (formerly Invitae), Labcorp
Classification: Uncertain significance. Last evaluated: 2021-11-19. Review status: criteria provided, single submitter. Criteria: Invitae Variant Classification Sherloc (09022015). Collection method: clinical testing. Allele origin: germline.
Comment: This variant is not present in population databases (gnomAD no frequency). In summary, the available evidence is currently insufficient to determine the role of this variant in disease. Therefore, it has been classified as a Variant of Uncertain Significance. Algorithms developed to predict the effect of missense changes on protein structure and function are either unavailable or do not agree on the potential impact of this missense change (SIFT: "Deleterious"; PolyPhen-2: "Benign"; Align-GVGD: "Class C0"). This variant has not been reported in the literature in individuals affected with CTNNA1-related conditions. This sequence change replaces glycine, which is neutral and non-polar, with arginine, which is basic and polar, at codon 212 of the CTNNA1 protein (p.Gly212Arg).